The following is an entry in ClinVar:

NM_005529.7(HSPG2):c.12223G>A (p.Gly4075Ser)

Gene: HSPG2 (heparan sulfate proteoglycan 2; minus strand). Cytogenetic location: 1p36.12.
Variant type: single nucleotide variant.
Coding change: c.12223G>A on transcript NM_005529.7 (MANE Select); coding-DNA position 12223, G replaced by A.
Protein change: p.Gly4075Ser; replaces glycine 4075 with serine.
Molecular consequence: missense variant.
Genome position (GRCh38, 1-based): chr1:21,828,849, C>T on the plus strand (G>A on the coding strand, the complement: HSPG2 is on the minus strand). VCF-style: chr1-21828849-C-T. GRCh37 (hg19) VCF-style: chr1-22155342-C-T.
Other names: c.12226G>A, p.Gly4076Ser (NM_001291860.2); short protein forms G4076S, G4075S.
Identifiers: ClinVar variation 1390279 (VCV001390279.4), dbSNP rs557821484, ClinGen allele CA669497.

ClinVar aggregate classification (germline): Uncertain significance (1 of 4 stars; one submission).

Allele frequency attached by ClinVar (database versions not stated): gnomAD exomes 0.00001 and 0.00002; gnomAD 0.00002 and 0.00003; TOPMed 0.00002; ExAC 0.00005; 1000 Genomes Project 0.00020; 1000 Genomes Project 30x 0.00031.
gnomAD v4.1: 22 of 1,550,896 alleles (0.0014%); highest among the groups gnomAD compares: East Asian, 0.0049%; no homozygotes.

Submission:

Labcorp Genetics (formerly Invitae), Labcorp
Classification: Uncertain significance. Last evaluated: 2021-12-02. Review status: criteria provided, single submitter. Criteria: Invitae Variant Classification Sherloc (09022015). Collection method: clinical testing. Allele origin: germline.
Comment: In summary, the available evidence is currently insufficient to determine the role of this variant in disease. Therefore, it has been classified as a Variant of Uncertain Significance. Algorithms developed to predict the effect of sequence changes on RNA splicing suggest that this variant may create or strengthen a splice site. Algorithms developed to predict the effect of missense changes on protein structure and function are either unavailable or do not agree on the potential impact of this missense change (SIFT: "Deleterious"; PolyPhen-2: "Probably Damaging"; Align-GVGD: "Class C0"). This variant has not been reported in the literature in individuals affected with HSPG2-related conditions. The frequency data for this variant in the population databases is considered unreliable, as metrics indicate poor data quality at this position in the gnomAD database. This sequence change replaces glycine, which is neutral and non-polar, with serine, which is neutral and polar, at codon 4075 of the HSPG2 protein (p.Gly4075Ser).